The following is an entry in ClinVar:

ClinVar aggregate classification (germline): Conflicting classifications of pathogenicity. Review status: criteria provided, conflicting classifications (1 of 4 stars). 3 submissions from 3 submitters: Uncertain significance (1); Likely benign (2). Last evaluated 2025-12-31.

Conditions:
Loeys-Dietz syndrome 2 (LDS2). Also called: TGFBR2-Related Loeys-Dietz Syndrome; AORTIC ANEURYSM, FAMILIAL THORACIC 3; MARFAN SYNDROME, TYPE II; Marfan Syndrome type 2; Marfan like connective tissue disorder; MFS 2. Identifiers: Orphanet 284973, Orphanet 558, MedGen C2674574, MONDO:0012427, OMIM 610168.

Allele frequency attached by ClinVar (database versions not stated): gnomAD 0.00003; TOPMed 0.00006.
gnomAD v4.1: 96 of 1,614,012 alleles (0.0059%); highest among the groups gnomAD compares: South Asian, 0.043%; no homozygotes.

Submissions (3):

Labcorp Genetics (formerly Invitae), Labcorp
Classification: Uncertain significance for Loeys-Dietz syndrome 2. Last evaluated: 2025-12-31. Review status: criteria provided, single submitter. Criteria: Invitae Variant Classification Sherloc (09022015). Collection method: clinical testing. Allele origin: germline.
Comment: This sequence change replaces glutamic acid, which is acidic and polar, with lysine, which is basic and polar, at codon 455 of the TMPO protein (p.Glu455Lys). This variant is present in population databases (rs763388598, gnomAD 0.06%), and has an allele count higher than expected for a pathogenic variant. This variant has not been reported in the literature in individuals affected with TMPO-related conditions. ClinVar contains an entry for this variant (Variation ID: 997930). Invitae Evidence Modeling of protein sequence and biophysical properties (such as structural, functional, and spatial information, amino acid conservation, physicochemical variation, residue mobility, and thermodynamic stability) indicates that this missense variant is not expected to disrupt TMPO protein function with a negative predictive value of 80%. In summary, the available evidence is currently insufficient to determine the role of this variant in disease. Therefore, it has been classified as a Variant of Uncertain Significance.

Ambry Genetics
Classification: Likely benign. Last evaluated: 2021-11-09. Review status: criteria provided, single submitter. Criteria: Ambry Variant Classification Scheme 2023. Collection method: clinical testing. Allele origin: germline.

Women's Health and Genetics/Laboratory Corporation of America, LabCorp
Classification: Likely benign. Last evaluated: 2021-02-01. Review status: criteria provided, single submitter. Criteria: LabCorp Variant Classification Summary - May 2015. Collection method: clinical testing. Allele origin: germline.
Comment: Variant summary: TMPO c.1363G>A (p.Glu455Lys) results in a conservative amino acid change in the encoded protein sequence. Five of five in-silico tools predict a benign effect of the variant on protein function. The variant allele was found at a frequency of 0.00016 in 251418 control chromosomes (gnomAD). The observed variant frequency is approximately 10-fold of the estimated maximal expected allele frequency for a pathogenic variant in TMPO causing Dilated Cardiomyopathy phenotype (1.6e-05), strongly suggesting that the variant is benign. To our knowledge, no occurrence of c.1363G>A in individuals affected with Dilated Cardiomyopathy and no experimental evidence demonstrating its impact on protein function have been reported. No clinical diagnostic laboratories have submitted clinical-significance assessments for this variant to ClinVar after 2014. Based on the evidence outlined above, the variant was classified as likely benign.

NM_001032283.3(TMPO):c.565+1782G>A

Gene: TMPO (thymopoietin; plus strand). Cytogenetic location: 12q23.1.
Variant type: single nucleotide variant.
Coding change: c.565+1782G>A on transcript NM_001032283.3 (MANE Select); 1782 bases into the intron after coding-DNA position 565, G replaced by A.
Molecular consequence: intron variant. On other transcripts: missense variant (1).
Genome position (GRCh38, 1-based): chr12:98,533,620, G>A. VCF-style: chr12-98533620-G-A. GRCh37 (hg19) VCF-style: chr12-98927398-G-A.
Other names: c.1363G>A, p.Glu455Lys (NM_003276.2); c.565+1782G>A (NM_001307975.2, NM_001032284.3); short protein forms E455K.
Identifiers: ClinVar variation 997930 (VCV000997930.7), dbSNP rs763388598, ClinGen allele CA6732406.
Genomic context (GRCh38, chr12:98,533,620, plus strand): 5'-AAGTCAGTGGAGGAAAGGGATTCAGGTTCCTTTGTGGCATTTCAGAACATACCTGGATCC[G>A]AACTGATGTCTTCTTTTGCCAAAACTGTTGTCTCTCATTCACTCACTACCTTAGGTCTAG-3'